The following is an entry in ClinVar:

NM_005629.4(SLC6A8):c.1570T>A (p.Ser524Thr)

Gene: SLC6A8 (solute carrier family 6 member 8; plus strand). Cytogenetic location: Xq28.
Variant type: single nucleotide variant.
Coding change: c.1570T>A on transcript NM_005629.4 (MANE Select); coding-DNA position 1570, T replaced by A.
Protein change: p.Ser524Thr; replaces serine 524 with threonine.
Molecular consequence: missense variant.
Genome position (GRCh38, 1-based): chrX:153,694,607, T>A. VCF-style: chrX-153694607-T-A. GRCh37 (hg19) VCF-style: chrX-152960062-T-A.
Other names: NM_005629.4(SLC6A8):c.1570T>A; p.Ser524Thr; c.1540T>A, p.Ser514Thr (NM_001142805.2); c.1225T>A, p.Ser409Thr (NM_001142806.1); short protein forms S524T, S409T, S514T.
Identifiers: ClinVar variation 410223 (VCV000410223.58), dbSNP rs782703394, ClinGen allele CA10549563.

ClinVar aggregate classification (germline): Likely benign. Review status: reviewed by expert panel (3 of 4 stars). 7 submissions from 7 submitters: Likely benign (1). 6 of the submissions do not count toward it. Last evaluated 2025-05-20.

Conditions:
Inborn genetic diseases. Identifiers: MedGen C0950123, MeSH D030342.
Creatine transporter deficiency (CCDS1). Also called: Creatine Transporter (CRTR) Deficiency; Mental retardation , X-linked with seizures, short stature and midface hypoplasia; Mental retardation , X-linked, with creatine transport deficiency; X-linked creatine transporter deficiency; X-linked creatine deficiency syndrome; SLC6A8-Related Creatine Transporter Deficiency. Identifiers: Orphanet 52503, MedGen C1845862, MONDO:0010305, OMIM 300352.
Intellectual disability. Also called: Intellectual functioning disability; intellectual disabilities; Intellectual developmental disorder. Identifiers: MedGen C3714756, MeSH D008607, MONDO:0001071, HP:0001249.

Allele frequency attached by ClinVar (database versions not stated): gnomAD exomes 0.00003 and 0.00014; ExAC 0.00005; TOPMed 0.00009; gnomAD 0.00010.
gnomAD v4.1: 156 of 1,156,524 alleles (0.013%); highest among the groups gnomAD compares: Non-Finnish European, 0.017%; no homozygotes.

Submissions (7):

ClinGen Cerebral Creatine Deficiency Syndromes Variant Curation Expert Panel, ClinGen
Classification: Likely benign for Creatine transporter deficiency. Last evaluated: 2025-05-20. Review status: reviewed by expert panel. Criteria: ClinGen_CCDS_ACMG_Specifications_SLC6A8_v1.1. Collection method: curation. Allele origin: germline. Inheritance: X-linked inheritance.
Comment: The NM_005629.4:c.1570T>A variant in SLC6A8 is a missense variant predicted to cause the substitution of a serine by a threonine at amino acid position 524 (p.Ser524Thr). To our knowledge, this variant has not been reported in the literature and no functional studies are available. In gnomAD v4.1.0.., the highest population allele frequency is 0.0001737 (150/863464 alleles, 47 hemizygotes) in the European non-Finnish population, which is greater than the ClinGen CCDS VCEP’s threshold for PM2_Supporting (<0.00002) but less than the ClinGen CCDS VCEP’s threshold for BS1 (>0.0002), such that neither of these criteria are met. There is a total of 50 hemizygotes in gnomAD v4.1.0.; 47 in the European non-Finnish population, 2 in the "remaining" population, and one in the African/African American population (BS2). The computational predictor REVEL gives a score of 0.191 suggesting that the variant has no impact on the function of the gene product, and SpliceAI predicts that the variant has no impact on splicing. (BP4). There is a ClinVar entry for this variant (Variation ID: 410223). Due to the presence of 50 hemizygotes in gnomAD v4.1.0 in the absence of any evidence for pathogenicity, the consensus of the ClinGen CCDS VCEP is to classify this variant as likely benign for creatine transporter deficiency, a severe, pediatric onset neurodevelopmental disorder. SLC6A8-specific ACMG/AMP criteria applied, as specified by the ClinGen CCDS VCEP (Specifications Version 1.1.0): BS2. (Classification approved by the ClinGen Cerebral Creatine Deficiency Syndromes Variant Curation Expert Panel on May 20, 2025)

Labcorp Genetics (formerly Invitae), Labcorp
Classification: Likely benign for Creatine transporter deficiency. Last evaluated: 2025-12-02. Review status: criteria provided, single submitter. Criteria: Invitae Variant Classification Sherloc (09022015). Collection method: clinical testing. Allele origin: germline. Not counted in ClinVar's aggregate classification.

CeGaT Center for Human Genetics Tuebingen
Classification: Likely benign. Last evaluated: 2025-10-01. Review status: criteria provided, single submitter. Criteria: CeGaT Center For Human Genetics Tuebingen Variant Classification Criteria Version 2. Collection method: clinical testing. Allele origin: germline. Affected: yes. Observed: 4 variant alleles. Not counted in ClinVar's aggregate classification.
Comment: SLC6A8: BP4, BS2

Blueprint Genetics
Classification: Likely benign. Last evaluated: 2024-09-23. Review status: criteria provided, single submitter. Criteria: ACMG Guidelines, 2015. Collection method: clinical testing. Allele origin: germline. Not counted in ClinVar's aggregate classification.

GeneDx
Classification: Likely benign. Last evaluated: 2021-02-08. Review status: criteria provided, single submitter. Criteria: GeneDx Variant Classification Process June 2021. Collection method: clinical testing. Allele origin: germline. Affected: yes. Not counted in ClinVar's aggregate classification.

Cambridge Genomics Laboratory, East Genomic Laboratory Hub, NHS Genomic Medicine Service
Classification: Uncertain significance for Intellectual disability. Last evaluated: 2019-10-24. Review status: criteria provided, single submitter. Criteria: ACGS Best Practice Guidelines for Variant Classification in Rare Disease 2020. Collection method: clinical testing. Allele origin: germline. Affected: yes. Observed: 1 variant allele. Not counted in ClinVar's aggregate classification.

Ambry Genetics
Classification: Uncertain significance for Inborn genetic diseases. Last evaluated: 2019-08-30. Review status: criteria provided, single submitter. Criteria: Ambry Variant Classification Scheme 2023. Collection method: clinical testing. Allele origin: germline. Not counted in ClinVar's aggregate classification.
Comment: The p.S524T variant (also known as c.1570T>A), located in coding exon 11 of the SLC6A8 gene, results from a T to A substitution at nucleotide position 1570. The serine at codon 524 is replaced by threonine, an amino acid with similar properties. This amino acid position is not well conserved in available vertebrate species. In addition, this alteration is predicted to be tolerated by in silico analysis. Since supporting evidence is limited at this time, the clinical significance of this alteration remains unclear.